The following is an entry in ClinVar:

NM_001374828.1(ARID1B):c.3720_3723del (p.Asn1240fs)

Gene: ARID1B (AT-rich interaction domain 1B; plus strand). Cytogenetic location: 6q25.3.
Variant type: Deletion.
Coding change: c.3720_3723del on transcript NM_001374828.1 (MANE Select); coding-DNA positions 3720 to 3723, 4 bases deleted (TAAA; older notation c.3720_3723delTAAA).
Protein change: p.Asn1240fs; shifts the reading frame from asparagine 1240.
Molecular consequence: frameshift variant.
Genome position (GRCh38, 1-based): chr6:157,184,236-157,184,239, TAAA deleted; deleting any 4 consecutive bases within chr6:157,184,234-157,184,239 gives the same sequence; the c. name uses the placement nearest the transcript's 3' end. VCF-style (leftmost placement, unchanged base first): chr6-157184233-TAATA-T. GRCh37 (hg19) VCF-style: chr6-157505367-TAATA-T.
Other names: c.3351_3354delTAAA (NM_020732.3); c.1221_1224del, p.Asn407fs (NM_001363725.2); c.3600_3603del, p.Asn1200fs (NM_001371656.1, NM_001374820.1); c.3561_3564del, p.Asn1187fs (NM_017519.3); short protein forms N1200fs, N1240fs, N407fs, N1187fs.
Identifiers: ClinVar variation 817175 (VCV000817175.1), dbSNP rs1583469151, ClinGen allele CA915944781.
Genomic context (GRCh38, chr6:157,184,233, plus strand): 5'-CTGGCTTTAAACAAGCCACTTTGTTGCAAACCAATGATCCTGCCGTGTTTTTCACTAGGT[TAATA>T]AAAACAAGAAGTGGCGTGAGCTGGCAACCAACCTAAACGTTGGCACCTCAAGCAGTGCAG-3'

ClinVar aggregate classification (germline): Pathogenic (1 of 4 stars; one submission).

Submission:

GeneDx
Classification: Pathogenic. Last evaluated: 2018-08-29. Review status: criteria provided, single submitter. Criteria: GeneDx Variant Classification (06012015). Collection method: clinical testing. Allele origin: germline. Affected: yes.
Comment: The c.3351_3354delTAAA variant in the ARID1B gene has not been published as a pathogenic variant, nor has it been reported as a benign variant to our knowledge. This variant is not observed in large population cohorts (Lek et al., 2016). The c.3351_3354delTAAA variant causes a frameshift starting with codon Asparagine 1117, changes this amino acid to a Lysine residue, and creates a premature Stop codon at position 12 of the new reading frame, denoted p.Asn1117LysfsX12. This variant is predicted to cause loss of normal protein function either through protein truncation or nonsense-mediated mRNA decay. We interpret c.3351_3354delTAAA as a pathogenic variant.